The following is an entry in ClinVar:

ClinVar aggregate classification (germline): Uncertain significance (1 of 4 stars; one submission).

Conditions:
Intellectual developmental disorder with dysmorphic facies and behavioral abnormalities. Identifiers: MedGen C4748135, MONDO:0060760, OMIM 618089.

Submission:

Genetics and Molecular Pathology, SA Pathology
Classification: Uncertain significance for Intellectual developmental disorder with dysmorphic facies and behavioral abnormalities. Last evaluated: 2022-09-15. Review status: criteria provided, single submitter. Criteria: ACMG Guidelines, 2015. Collection method: clinical testing. Allele origin: germline. Affected: yes.
Comment: The FBXO11 c.1352T>C variant is classified as a VUS (PM1, PM2, PP3) The FBXO11 c.1352T>C variant is a single nucleotide change in exon 11/23 of the FBXO11 gene, which is predicted to change the amino acid isoleucine at position 451 in the protein, to threonine. This variant is located in the conserved CASH domain where other previously reported deleterious missense variants are located (PM1). This variant is absent from population databases (PM2) and there is a low rate of benign missense variants in this region in gnomAD. Computational predictions support a deleterious effect on the gene or gene product (PP3). This variant has not been reported in dbSNP, ClinVar or HGMD.

NM_001190274.2(FBXO11):c.1352T>C (p.Ile451Thr)

Gene: FBXO11 (F-box protein 11; minus strand). Cytogenetic location: 2p16.3.
Variant type: single nucleotide variant.
Coding change: c.1352T>C on transcript NM_001190274.2 (MANE Select); coding-DNA position 1352, T replaced by C.
Protein change: p.Ile451Thr; replaces isoleucine 451 with threonine.
Molecular consequence: missense variant.
Genome position (GRCh38, 1-based): chr2:47,832,395, A>G on the plus strand (T>C on the coding strand, the complement: FBXO11 is on the minus strand). VCF-style: chr2-47832395-A-G. GRCh37 (hg19) VCF-style: chr2-48059534-A-G.
Other names: c.1100T>C, p.Ile367Thr (NM_001374325.1, NM_025133.4); short protein forms I367T, I451T.
Identifiers: ClinVar variation 2664856 (VCV002664856.1), dbSNP rs2531188648, ClinGen allele CA346765268.